The following is an entry in ClinVar:

ClinVar aggregate classification (germline): Uncertain significance. Review status: criteria provided, multiple submitters, no conflicts (2 of 4 stars). 2 submissions from 2 submitters: Uncertain significance (2). Last evaluated 2023-09-28.

Submissions (2):

Ambry Genetics
Classification: Uncertain significance. Last evaluated: 2023-09-28. Review status: criteria provided, single submitter. Criteria: Ambry Variant Classification Scheme 2023. Collection method: clinical testing. Allele origin: germline.
Comment: The p.H305N variant (also known as c.913C>A), located in coding exon 9 of the FAM175A gene, results from a C to A substitution at nucleotide position 913. The histidine at codon 305 is replaced by asparagine, an amino acid with similar properties. This amino acid position is conserved. In addition, this alteration is predicted to be tolerated by in silico analysis. Since supporting evidence is limited at this time, the clinical significance of this alteration remains unclear.

Labcorp Genetics (formerly Invitae), Labcorp
Classification: Uncertain significance. Last evaluated: 2019-04-02. Review status: criteria provided, single submitter. Criteria: Invitae Variant Classification Sherloc (09022015). Collection method: clinical testing. Allele origin: germline.
Comment: In summary, the available evidence is currently insufficient to determine the role of this variant in disease. Therefore, it has been classified as a Variant of Uncertain Significance. Algorithms developed to predict the effect of missense changes on protein structure and function (SIFT, PolyPhen-2, Align-GVGD) all suggest that this variant is likely to be tolerated, but these predictions have not been confirmed by published functional studies and their clinical significance is uncertain. This variant has not been reported in the literature in individuals with ABRAXAS1-related conditions. This variant is not present in population databases (ExAC no frequency). This sequence change replaces histidine with asparagine at codon 305 of the ABRAXAS1 protein (p.His305Asn). The histidine residue is moderately conserved and there is a small physicochemical difference between histidine and asparagine.

NM_139076.3(ABRAXAS1):c.913C>A (p.His305Asn)

Gene: ABRAXAS1 (abraxas 1, BRCA1 A complex subunit; minus strand). Cytogenetic location: 4q21.23.
Variant type: single nucleotide variant.
Coding change: c.913C>A on transcript NM_139076.3 (MANE Select); coding-DNA position 913, C replaced by A.
Protein change: p.His305Asn; replaces histidine 305 with asparagine.
Molecular consequence: missense variant.
Genome position (GRCh38, 1-based): chr4:83,462,786, G>T on the plus strand (C>A on the coding strand, the complement: ABRAXAS1 is on the minus strand). VCF-style: chr4-83462786-G-T. GRCh37 (hg19) VCF-style: chr4-84383939-G-T.
Other names: c.586C>A, p.His196Asn (NM_001345962.2); short protein forms H196N, H305N.
Identifiers: ClinVar variation 840983 (VCV000840983.10), dbSNP rs1722181853, ClinGen allele CA357256193.
Genomic context (GRCh38, chr4:83,462,786, plus strand): 5'-AGGTCAGATTGTCTACTACATCGAGATGGTGGTTGTAGTTACAGCTACTTTTAGAAACAT[G>T]TCTATTTTTTAAAGACATAACACATGAATGAAGAAATTCAGAATTTGGAAAAAAGGTCCG-3'
Protein context (NP_620775.2, residues 295-315): HSCVMSLKNR[His305Asn]VSKSSCNYNH